The following is an entry in ClinVar:

NM_000414.4(HSD17B4):c.113-2228A>G

Gene: HSD17B4 (hydroxysteroid 17-beta dehydrogenase 4; plus strand). Cytogenetic location: 5q23.1.
Variant type: single nucleotide variant.
Coding change: c.113-2228A>G on transcript NM_000414.4 (MANE Select); 2228 bases into the intron before coding-DNA position 113, A replaced by G.
Molecular consequence: intron variant. On other transcripts: missense variant (2), 5 prime UTR variant (2).
Genome position (GRCh38, 1-based): chr5:119,471,680, A>G. VCF-style: chr5-119471680-A-G. GRCh37 (hg19) VCF-style: chr5-118807375-A-G.
Other names: c.167A>G, p.Gln56Arg (NM_001199291.3); c.20A>G, p.Gln7Arg (NM_001292027.2); c.-189A>G (NM_001374499.1); c.-325A>G (NM_001374503.1); c.-304-2228A>G (NM_001374502.1); c.-426-2228A>G (NM_001374500.1); c.-299-2228A>G (NM_001374501.1, NM_001292028.2); c.113-2228A>G (NM_001374498.1, NM_001374497.1); and 1 more; short protein forms Q56R, Q7R.
Identifiers: ClinVar variation 4527340 (VCV004527340.1).

ClinVar aggregate classification (germline): Uncertain significance (1 of 4 stars; one submission).

Submission:

GeneDx
Classification: Uncertain significance. Last evaluated: 2025-04-23. Review status: criteria provided, single submitter. Criteria: GeneDx Variant Classification Process June 2021. Collection method: clinical testing. Allele origin: germline. Affected: yes.
Comment: Reported using an alternate transcript of the gene; Not observed at significant frequency in large population cohorts (gnomAD); In silico analysis indicates that this missense variant does not alter protein structure/function; Has not been previously published as pathogenic or benign to our knowledge